The following is an entry in ClinVar:

NM_020987.5(ANK3):c.9237A>G (p.Pro3079=)

Gene: ANK3 (ankyrin 3; minus strand). Cytogenetic location: 10q21.2.
Variant type: single nucleotide variant.
Coding change: c.9237A>G on transcript NM_020987.5 (MANE Select); coding-DNA position 9237, A replaced by G.
Protein change: p.Pro3079=; no amino-acid change (proline 3079 retained).
Molecular consequence: synonymous variant. On other transcripts: intron variant (4).
Genome position (GRCh38, 1-based): chr10:60,071,644, T>C on the plus strand (A>G on the coding strand, the complement: ANK3 is on the minus strand). VCF-style: chr10-60071644-T-C. GRCh37 (hg19) VCF-style: chr10-61831402-T-C.
Other names: c.9237A>G (NM_020987.4); c.4388-3635A>G (NM_001204403.2); c.4409-3635A>G (NM_001204404.2); c.4406-3635A>G (NM_001320874.2); c.1808-3635A>G (NM_001149.4).
Identifiers: ClinVar variation 2080936 (VCV002080936.6), dbSNP rs142028674, ClinGen allele CA5511414.
Genomic context (GRCh38, chr10:60,071,644, plus strand): 5'-TACAAAACTGACATAAACGGGTAAAGTTTTTATCTCTTTCCCTCCCTCTGTCTGGGCTAG[T>C]GGTGCGAGTTTTTCCAATCCATCAATGGGACTGTGGTCGAATACATCACTAGAGGGAGAT-3'
Protein context (NP_066267.2, residues 3069-3089): SPIDGLEKLA[Pro3079=]LAQTEGGKEI

ClinVar aggregate classification (germline): Likely benign. Review status: criteria provided, single submitter (1 of 4 stars). 2 submissions from 2 submitters: Likely benign (1). 1 of the submissions does not count toward it. Last evaluated 2026-01-27.

Conditions:
ANK3-related disorder. Also called: ANK3-related condition.

Allele frequency attached by ClinVar (database versions not stated): gnomAD exomes 0.00003; ExAC 0.00015; 1000 Genomes Project 30x 0.00016; 1000 Genomes Project 0.00020; ESP Exome Variant Server 0.00038; gnomAD 0.00052; TOPMed 0.00053.
gnomAD v4.1: 127 of 1,609,778 alleles (0.0079%); highest among the groups gnomAD compares: African/African-American, 0.14%; no homozygotes.

Submissions (2):

Labcorp Genetics (formerly Invitae), Labcorp
Classification: Likely benign. Last evaluated: 2026-01-27. Review status: criteria provided, single submitter. Criteria: Invitae Variant Classification Sherloc (09022015). Collection method: clinical testing. Allele origin: germline.

PreventionGenetics, part of Exact Sciences
Classification: Likely benign for ANK3-related condition. Last evaluated: 2023-12-13. Review status: no assertion criteria provided. Collection method: clinical testing. Allele origin: germline. Not counted in ClinVar's aggregate classification.
Comment: This variant is classified as likely benign based on ACMG/AMP sequence variant interpretation guidelines (Richards et al. 2015 PMID: 25741868, with internal and published modifications).